The following is an entry in ClinVar:

NM_000092.5(COL4A4):c.914G>T (p.Gly305Val)

Gene: COL4A4 (collagen type IV alpha 4 chain; minus strand). Cytogenetic location: 2q36.3.
Variant type: single nucleotide variant.
Coding change: c.914G>T on transcript NM_000092.5 (MANE Select); coding-DNA position 914, G replaced by T.
Protein change: p.Gly305Val; replaces glycine 305 with valine.
Molecular consequence: missense variant.
Genome position (GRCh38, 1-based): chr2:227,102,805, C>A on the plus strand (G>T on the coding strand, the complement: COL4A4 is on the minus strand). VCF-style: chr2-227102805-C-A. GRCh37 (hg19) VCF-style: chr2-227967521-C-A.
Other names: short protein forms G305V.
Identifiers: ClinVar variation 3585910 (VCV003585910.2).

ClinVar aggregate classification (germline): Likely pathogenic. Review status: criteria provided, multiple submitters, no conflicts (2 of 4 stars). 2 submissions from 2 submitters: Likely pathogenic (2). Last evaluated 2025-09-04.

Conditions:
Alport syndrome. Also called: Hemorrhagic familial nephritis; Hemorrhagic hereditary nephritis; Congenital hereditary hematuria. Identifiers: Orphanet 63, MedGen C1567741, MONDO:0018965.
Autosomal recessive Alport syndrome (ATS2). Also called: COL4A4 Alport Syndrome and Thin Basement Membrane Nephropathy; Alport syndrome type 2; ALPORT SYNDROME 2, AUTOSOMAL RECESSIVE; COL4A3-Related Nephropathy. Identifiers: Orphanet 63, Orphanet 88919, MedGen C4746745, MONDO:0008762, OMIM 203780.
Hematuria, benign familial, 1 (BFH1). Also called: THIN MEMBRANE NEPHROPATHY. Identifiers: MedGen CN376803, MONDO:0007709, OMIM 141200.

Submissions (2):

Natera, Inc.
Classification: Likely pathogenic for Alport syndrome. Last evaluated: 2025-09-04. Review status: criteria provided, single submitter. Criteria: Natera Variant Classification Schema (03/2026). Collection method: clinical testing. Allele origin: germline.
Comment: The c.914G>T variant in COL4A4 is a missense variant predicted to cause substitution of glycine to valine at amino acid 305. This variant is rare in the general population with a frequency below the threshold expected for the associated phenotype(s). This variant is located in a functionally critical region of the protein. Computational prediction algorithms indicate this variant is likely to affect gene or protein function. Given the available evidence, this variant is classified as Likely Pathogenic.

Fulgent Genetics
Classification: Likely pathogenic for Hematuria, benign familial, 1; Autosomal recessive Alport syndrome. Last evaluated: 2024-03-28. Review status: criteria provided, single submitter. Criteria: ACMG Guidelines, 2015. Collection method: clinical testing. Allele origin: germline.